The following is an entry in ClinVar:

ClinVar aggregate classification (germline): Pathogenic/Likely pathogenic. Review status: criteria provided, multiple submitters, no conflicts (2 of 4 stars). 9 submissions from 9 submitters: Pathogenic (6); Likely pathogenic (1). 2 of the submissions do not count toward it. Last evaluated 2024-03-29.

Conditions:
JAG1-related disorder. Also called: JAG1-related condition; JAG1-related disorders.
Charcot-Marie-Tooth disease, axonal, Type 2HH. Also called: CHARCOT-MARIE-TOOTH NEUROPATHY, TYPE 2HH. Identifiers: MedGen C5562003, MONDO:0030458, OMIM 619574.
Tetralogy of Fallot (TOF). Identifiers: Orphanet 3303, MedGen C0039685, MONDO:0008542, OMIM 187500, HP:0001636.
Deafness, congenital heart defects, and posterior embryotoxon (DCHE). Identifiers: MedGen C1866053, MONDO:0060713, OMIM 617992.
Alagille syndrome due to a JAG1 point mutation. Also called: HEPATIC DUCTULAR HYPOPLASIA, SYNDROMATIC; Alagille Syndrome 1; JAG1-Related Alagille Syndrome. Identifiers: Orphanet 261619, Orphanet 52, MedGen C1956125, MONDO:0016862, OMIM 118450.

Submissions (10):

Genomic Medicine Center of Excellence, King Faisal Specialist Hospital and Research Centre
Classification: Pathogenic for Alagille syndrome due to a JAG1 point mutation. Last evaluated: 2024-03-29. Review status: criteria provided, single submitter. Criteria: ACMG Guidelines, 2015. Collection method: clinical testing. Allele origin: germline.

Labcorp Genetics (formerly Invitae), Labcorp
Classification: Pathogenic for Alagille syndrome due to a JAG1 point mutation. Last evaluated: 2022-07-13. Review status: criteria provided, single submitter. Criteria: Invitae Variant Classification Sherloc (09022015). Collection method: clinical testing. Allele origin: germline.
Comment: This sequence change replaces arginine, which is basic and polar, with histidine, which is basic and polar, at codon 184 of the JAG1 protein (p.Arg184His). This variant is not present in population databases (gnomAD no frequency). This missense change has been observed in individuals with Alagille syndrome (PMID: 9585603, 10220506, 12442286, 24748328, 25676721). ClinVar contains an entry for this variant (Variation ID: 7620). Advanced modeling of protein sequence and biophysical properties (such as structural, functional, and spatial information, amino acid conservation, physicochemical variation, residue mobility, and thermodynamic stability) performed at Invitae indicates that this missense variant is expected to disrupt JAG1 protein function. Experimental studies have shown that this missense change affects JAG1 function (PMID: 11058898, 22487239). This variant disrupts the p.Arg184 amino acid residue in JAG1. Other variant(s) that disrupt this residue have been observed in individuals with JAG1-related conditions (PMID: 10220506, 10533065), which suggests that this may be a clinically significant amino acid residue. For these reasons, this variant has been classified as Pathogenic.

Institute of Human Genetics, University of Leipzig Medical Center
Classification: Pathogenic for Alagille syndrome due to a JAG1 point mutation. Last evaluated: 2022-02-04. Review status: criteria provided, single submitter. Criteria: ACMG Guidelines, 2015. Collection method: clinical testing. Allele origin: unknown. Affected: yes.
Comment: _x000D_ Criteria applied: PS3, PM5_STR, PS4_MOD, PM2_SUP, PP2, PP3

Fulgent Genetics
Classification: Pathogenic for Alagille syndrome due to a JAG1 point mutation; Tetralogy of Fallot; Deafness, congenital heart defects, and posterior embryotoxon; Charcot-Marie-Tooth disease, axonal, Type 2HH. Last evaluated: 2021-07-12. Review status: criteria provided, single submitter. Criteria: ACMG Guidelines, 2015. Collection method: clinical testing. Allele origin: unknown.

Blueprint Genetics
Classification: Likely pathogenic for JAG1-related disorders. Last evaluated: 2018-02-08. Review status: criteria provided, single submitter. Criteria: ACMG Guidelines, 2015. Collection method: clinical testing. Allele origin: germline. Affected: yes. Observed: 1 variant allele.

Eurofins Ntd Llc (ga)
Classification: Pathogenic. Last evaluated: 2017-04-07. Review status: criteria provided, single submitter. Criteria: EGL Classification Definitions 2015. Collection method: clinical testing. Allele origin: germline. Observed: 4 variant alleles, 4 heterozygotes.

Clinical Genetics Service, Universitary Hospital 12 de Octubre
Classification: Pathogenic for Alagille syndrome due to a JAG1 point mutation. Review status: criteria provided, single submitter. Criteria: ACMG Guidelines, 2015. Collection method: clinical testing. Allele origin: germline. Affected: yes.

OMIM
Classification: Pathogenic for ALAGILLE SYNDROME 1. Last evaluated: 2001-02-15. Review status: no assertion criteria provided. Collection method: literature only. Allele origin: germline. Not counted in ClinVar's aggregate classification.

GeneReviews
No classification provided. Condition: Alagille syndrome due to a JAG1 point mutation. Review status: no classification provided. Collection method: literature only. Allele origin: germline. Not counted in ClinVar's aggregate classification.

Gilbert/Spinner Lab, Children's Hospital of Philadelphia
No classification provided (evidence only). Condition: Alagille syndrome. Review status: no classification provided. Collection method: research. Allele origin: not applicable. Functional consequence: functionally_abnormal. Not counted in ClinVar's aggregate classification.
ClinVar note: "not provided" was previously submitted as the classification for the variant. However, the classification appeared to be based only on an observation of functional data so it was converted to no classification on 2025-07-30.

Literature cited by the submitters: PubMed 9585603 (cited by 3 submitters); PubMed 10220506 (cited by Labcorp Genetics (formerly Invitae), Labcorp); PubMed 12442286 (cited by Labcorp Genetics (formerly Invitae), Labcorp); PubMed 24748328 (cited by Labcorp Genetics (formerly Invitae), Labcorp); PubMed 25676721 (cited by Labcorp Genetics (formerly Invitae), Labcorp); PubMed 11058898 (cited by Labcorp Genetics (formerly Invitae), Labcorp); PubMed 22487239 (cited by Labcorp Genetics (formerly Invitae), Labcorp and Eurofins Ntd Llc (ga)); PubMed 10533065 (cited by Labcorp Genetics (formerly Invitae), Labcorp); PubMed 11157803 (cited by Eurofins Ntd Llc (ga) and OMIM); NCBI Bookshelf NBK1273 (cited by GeneReviews); PubMed 20301450 (cited by GeneReviews).

NM_000214.3(JAG1):c.551G>A (p.Arg184His)

Gene: JAG1 (jagged canonical Notch ligand 1; minus strand). Cytogenetic location: 20p12.2.
Variant type: single nucleotide variant.
Coding change: c.551G>A on transcript NM_000214.3 (MANE Select); coding-DNA position 551, G replaced by A.
Protein change: p.Arg184His; replaces arginine 184 with histidine.
Molecular consequence: missense variant.
Genome position (GRCh38, 1-based): chr20:10,658,611, C>T on the plus strand (G>A on the coding strand, the complement: JAG1 is on the minus strand). VCF-style: chr20-10658611-C-T. GRCh37 (hg19) VCF-style: chr20-10639259-C-T.
Other names: c.551G>A, p.Arg184His (LRG_1191t1); short protein forms R184H.
Identifiers: ClinVar variation 7620 (VCV000007620.22), dbSNP rs121918351, ClinGen allele CA254223.
Genomic context (GRCh38, chr20:10,658,611, plus strand): 5'-TCTCTGGGGCGGCAGAACTTATTGCAGCCAAAGCCATAGTAGTAGTCATCACAGGTCACG[C>T]GGATCTGATACTCAAAGTGGGCAACGCCCGTGTTCTGCTTCAGCGTCTGCCACTGCCGGC-3'
Protein context (NP_000205.1, residues 174-194): TGVAHFEYQI[Arg184His]VTCDDYYYGF